The following is an entry in ClinVar:

NM_001020658.2(PUM1):c.1307C>G (p.Pro436Arg)

Gene: PUM1 (pumilio RNA binding family member 1; minus strand). Cytogenetic location: 1p35.2.
Variant type: single nucleotide variant.
Coding change: c.1307C>G on transcript NM_001020658.2 (MANE Select); coding-DNA position 1307, C replaced by G.
Protein change: p.Pro436Arg; replaces proline 436 with arginine.
Molecular consequence: missense variant.
Genome position (GRCh38, 1-based): chr1:30,980,109, G>C on the plus strand (C>G on the coding strand, the complement: PUM1 is on the minus strand). VCF-style: chr1-30980109-G-C. GRCh37 (hg19) VCF-style: chr1-31452956-G-C.
Other names: c.1307C>G, p.Pro436Arg (NM_014676.3); short protein forms P436R.
Identifiers: ClinVar variation 3383583 (VCV003383583.1).

ClinVar aggregate classification (germline): Uncertain significance (1 of 4 stars; one submission).

gnomAD v4.1: 3 of 1,613,922 alleles (0.00019%); highest among the groups gnomAD compares: Non-Finnish European, 0.00025%; no homozygotes.

Submission:

GeneDx
Classification: Uncertain significance. Last evaluated: 2024-06-01. Review status: criteria provided, single submitter. Criteria: GeneDx Variant Classification Process June 2021. Collection method: clinical testing. Allele origin: germline. Affected: yes.
Comment: Not observed at significant frequency in large population cohorts (gnomAD); In silico analysis supports that this missense variant has a deleterious effect on protein structure/function; Has not been previously published as pathogenic or benign to our knowledge